The following is an entry in ClinVar:

ClinVar aggregate classification (germline): Uncertain significance. Review status: criteria provided, multiple submitters, no conflicts (2 of 4 stars). 2 submissions from 2 submitters: Uncertain significance (2). Last evaluated 2023-04-27.

Conditions:
Senior-Loken syndrome 7 (SLSN7). Identifiers: Orphanet 3156, MedGen C3150877, MONDO:0013326, OMIM 613615.
Bardet-Biedl syndrome 16 (BBS16). Identifiers: Orphanet 110, MedGen C3889474, MONDO:0014444, OMIM 615993.
SDCCAG8-related disorder. Also called: SDCCAG8-Related Disorders; SDCCAG8-related condition.

Allele frequency attached by ClinVar (database versions not stated): gnomAD exomes 0.00001; ExAC 0.00002; gnomAD 0.00003; 1000 Genomes Project 30x 0.00016; 1000 Genomes Project 0.00020.
gnomAD v4.1: 4 of 1,613,638 alleles (0.00025%); highest among the groups gnomAD compares: African/African-American, 0.004%; no homozygotes.

Submissions (2):

Labcorp Genetics (formerly Invitae), Labcorp
Classification: Uncertain significance for Bardet-Biedl syndrome 16; Senior-Loken syndrome 7. Last evaluated: 2023-04-27. Review status: criteria provided, single submitter. Criteria: Invitae Variant Classification Sherloc (09022015). Collection method: clinical testing. Allele origin: germline.
Comment: In summary, the available evidence is currently insufficient to determine the role of this variant in disease. Therefore, it has been classified as a Variant of Uncertain Significance. This sequence change replaces threonine, which is neutral and polar, with isoleucine, which is neutral and non-polar, at codon 631 of the SDCCAG8 protein (p.Thr631Ile). This variant is present in population databases (rs565662622, gnomAD 0.007%). This variant has not been reported in the literature in individuals affected with SDCCAG8-related conditions. ClinVar contains an entry for this variant (Variation ID: 1505153). Advanced modeling of protein sequence and biophysical properties (such as structural, functional, and spatial information, amino acid conservation, physicochemical variation, residue mobility, and thermodynamic stability) performed at Invitae indicates that this missense variant is not expected to disrupt SDCCAG8 protein function.

PreventionGenetics, part of Exact Sciences
Classification: Uncertain significance for SDCCAG8-related condition. Last evaluated: 2022-11-04. Review status: criteria provided, single submitter. Criteria: ACMG Guidelines, 2015. Collection method: clinical testing. Allele origin: germline.
Comment: The SDCCAG8 c.1892C>T variant is predicted to result in the amino acid substitution p.Thr631Ile. To our knowledge, this variant has not been reported in the literature. This variant is reported in 0.0062% of alleles in individuals of African descent in gnomAD. At this time, the clinical significance of this variant is uncertain due to the absence of conclusive functional and genetic evidence.

NM_006642.5(SDCCAG8):c.1892C>T (p.Thr631Ile)

Gene: SDCCAG8 (SHH signaling and ciliogenesis regulator SDCCAG8; plus strand). Cytogenetic location: 1q43.
Variant type: single nucleotide variant.
Coding change: c.1892C>T on transcript NM_006642.5 (MANE Select); coding-DNA position 1892, C replaced by T.
Protein change: p.Thr631Ile; replaces threonine 631 with isoleucine.
Molecular consequence: missense variant.
Genome position (GRCh38, 1-based): chr1:243,426,465, C>T. VCF-style: chr1-243426465-C-T. GRCh37 (hg19) VCF-style: chr1-243589767-C-T.
Other names: c.989C>T, p.Thr330Ile (NM_001350246.2, NM_001350247.2, NM_001350251.2); c.1988C>T, p.Thr663Ile (NM_001350248.2); c.1598C>T, p.Thr533Ile (NM_001350249.2); c.1892C>T (NM_006642.3); short protein forms T330I, T663I, T533I, T631I.
Identifiers: ClinVar variation 1505153 (VCV001505153.5), dbSNP rs565662622, ClinGen allele CA1483771.